The following is an entry in ClinVar:

NM_005343.4(HRAS):c.482G>A (p.Arg161His)

Genes: HRAS (HRas proto-oncogene, GTPase; minus strand), LRRC56 (leucine rich repeat containing 56; plus strand). Cytogenetic location: 11p15.5.
Variant type: single nucleotide variant.
Coding change: c.482G>A on transcript NM_005343.4 (MANE Select); coding-DNA position 482, G replaced by A.
Protein change: p.Arg161His; replaces arginine 161 with histidine.
Molecular consequence: missense variant. On other transcripts: 3 prime UTR variant (1).
Genome position (GRCh38, 1-based): chr11:532,724, C>T on the plus strand (G>A on the coding strand, the complement: HRAS is on the minus strand). VCF-style: chr11-532724-C-T. GRCh37 (hg19) VCF-style: chr11-532724-C-T.
Other names: c.482G>A, p.Arg161His (NM_001130442.3); c.245G>A, p.Arg82His (NM_001318054.2); c.*51G>A (NM_176795.5); short protein forms R161H, R82H.
Identifiers: ClinVar variation 517437 (VCV000517437.13), dbSNP rs748729430, ClinGen allele CA5779221.

ClinVar aggregate classification (germline): Uncertain significance. Review status: criteria provided, multiple submitters, no conflicts (2 of 4 stars). 3 submissions from 3 submitters: Uncertain significance (3). Last evaluated 2026-06-10.

Conditions:
Cardiovascular phenotype. Identifiers: MedGen CN230736.
Costello syndrome (CSTLO). Also called: HRAS-Related Costello Syndrome; FACIOCUTANEOSKELETAL SYNDROME; FCS SYNDROME. Identifiers: Orphanet 3071, MedGen C0587248, MONDO:0009026, OMIM 218040.

Allele frequency attached by ClinVar (database versions not stated): gnomAD exomes 0.00002 and 0.00001; gnomAD 0.00001; ExAC 0.00002; TOPMed below 0.00001.
gnomAD v4.1: 12 of 1,612,994 alleles (0.00074%); highest among the groups gnomAD compares: East Asian, 0.0067%; no homozygotes.

Submissions (3):

Ambry Genetics
Classification: Uncertain significance for Cardiovascular phenotype. Last evaluated: 2026-06-10. Review status: criteria provided, single submitter. Criteria: Ambry Variant Classification Scheme 2023. Collection method: clinical testing. Allele origin: germline.
Comment: The c.482G>A (p.R161H) alteration is located in exon 5 (coding exon 4) of the HRAS gene. This alteration results from a G to A substitution at nucleotide position 482, causing the arginine (R) at amino acid position 161 to be replaced by a histidine (H). Based on data from gnomAD, the A allele has an overall frequency of 0.003% (7/280092) total alleles studied. The highest observed frequency was 0.025% (5/19924) of East Asian alleles. Based on insufficient or conflicting evidence, the clinical significance of this alteration remains unclear.

Labcorp Genetics (formerly Invitae), Labcorp
Classification: Uncertain significance for Costello syndrome. Last evaluated: 2026-01-15. Review status: criteria provided, single submitter. Criteria: Invitae Variant Classification Sherloc (09022015). Collection method: clinical testing. Allele origin: germline.
Comment: This sequence change replaces arginine, which is basic and polar, with histidine, which is basic and polar, at codon 161 of the HRAS protein (p.Arg161His). This variant is present in population databases (rs748729430, gnomAD 0.02%). This variant has not been reported in the literature in individuals affected with HRAS-related conditions. ClinVar contains an entry for this variant (Variation ID: 517437). Invitae Evidence Modeling incorporating data from in vitro experimental studies (internal data) indicates that this missense variant is not expected to disrupt HRAS function with a negative predictive value of 95%. In summary, the available evidence is currently insufficient to determine the role of this variant in disease. Therefore, it has been classified as a Variant of Uncertain Significance.

Laboratory for Molecular Medicine, Mass General Brigham Personalized Medicine
Classification: Uncertain significance. Last evaluated: 2017-12-14. Review status: criteria provided, single submitter. Criteria: LMM Criteria. Collection method: clinical testing. Allele origin: germline. Observed: 2 variant alleles.
Comment: Variant classified as Uncertain Significance - Favor Benign. This variant has also been identified in 4/18840 East Asian chromosomes by the Genome Aggregation Database (gnomAD; dbSN P rs748729430). Computational prediction tools and conservation analysis suggest that the p.Arg161His variant may impact the protein, though this information is not predictive enough to determine pathogenicity. In summary, while the clinica l significance of the p.Arg161His variant is uncertain, its identification in an unaffected individual suggests that it is more likely to be benign. ACMG/AMP cr iteria applied: BS2, PP3.

Literature cited by the submitters: PubMed 26806338 (cited by Laboratory for Molecular Medicine, Mass General Brigham Personalized Medicine).